The following is an entry in ClinVar:

NM_203447.4(DOCK8):c.3234+21dup

Gene: DOCK8 (dedicator of cytokinesis 8; plus strand). Cytogenetic location: 9p24.3.
Variant type: Duplication.
Coding change: c.3234+21dup on transcript NM_203447.4 (MANE Select); 21 bases into the intron after coding-DNA position 3234, one base duplicated (C; older notation c.3234+21dupC).
Molecular consequence: intron variant.
Genome position (GRCh38, 1-based): chr9:399,280, C duplicated; the last of 5 consecutive C bases (chr9:399,276-399,280); duplicating any one gives the same sequence. VCF-style (leftmost placement, unchanged base first): chr9-399275-A-AC. GRCh37 (hg19) VCF-style: chr9-399275-A-AC.
Other names: c.3030+21dup (NM_001193536.2); c.2934+21dup (NM_001190458.2).
Identifiers: ClinVar variation 1164970 (VCV001164970.15), dbSNP rs3831174, ClinGen allele CA4958581.

ClinVar aggregate classification (germline): Benign/Likely benign. Review status: criteria provided, multiple submitters, no conflicts (2 of 4 stars). 4 submissions from 4 submitters: Benign (3); Likely benign (1). Last evaluated 2026-02-04.

Conditions:
Combined immunodeficiency due to DOCK8 deficiency (HIES2). Also called: DOCK8 Deficiency; HIES autosomal recessive; HYPER-IgE RECURRENT INFECTION SYNDROME 2, AUTOSOMAL RECESSIVE; HYPER-IgE SYNDROME 2, AUTOSOMAL RECESSIVE, WITH RECURRENT INFECTIONS; Hyper-IgE recurrent infection syndrome, autosomal recessive. Identifiers: Orphanet 217390, MedGen C4722305, MONDO:0009478, OMIM 243700.

Submissions (4):

Labcorp Genetics (formerly Invitae), Labcorp
Classification: Benign for Combined immunodeficiency due to DOCK8 deficiency. Last evaluated: 2026-02-04. Review status: criteria provided, single submitter. Criteria: Invitae Variant Classification Sherloc (09022015). Collection method: clinical testing. Allele origin: germline.

Blueprint Genetics
Classification: Likely benign. Last evaluated: 2024-11-27. Review status: criteria provided, single submitter. Criteria: ACMG Guidelines, 2015. Collection method: clinical testing. Allele origin: germline.

Unidad de Genómica Garrahan, Hospital de Pediatría Garrahan
Classification: Benign. Last evaluated: 2024-01-24. Review status: criteria provided, single submitter. Criteria: ACMG Guidelines, 2015. Collection method: clinical testing. Allele origin: germline. Affected: no. Observed: 34 variant alleles.
Comment: This variant is classified as Benign based on local population frequency. This variant was detected in 36% of patients studied by a panel of primary immunodeficiencies. Number of patients: 34. Only high quality variants are reported.

GeneDx
Classification: Benign. Last evaluated: 2019-08-06. Review status: criteria provided, single submitter. Criteria: GeneDx Variant Classification Process June 2021. Collection method: clinical testing. Allele origin: germline. Affected: yes.